The following is an entry in ClinVar:

NM_001384140.1(PCDH15):c.2936T>C (p.Phe979Ser)

Gene: PCDH15 (protocadherin related 15; minus strand). Cytogenetic location: 10q21.1.
Variant type: single nucleotide variant.
Coding change: c.2936T>C on transcript NM_001384140.1 (MANE Select); coding-DNA position 2936, T replaced by C.
Protein change: p.Phe979Ser; replaces phenylalanine 979 with serine.
Molecular consequence: missense variant.
Genome position (GRCh38, 1-based): chr10:53,961,825, A>G on the plus strand (T>C on the coding strand, the complement: PCDH15 is on the minus strand). VCF-style: chr10-53961825-A-G. GRCh37 (hg19) VCF-style: chr10-55721585-A-G.
Other names: c.2951T>C, p.Phe984Ser (NM_001142763.2, NM_001142771.2); c.2936T>C, p.Phe979Ser (NM_001142764.2, NM_001142766.2, NM_001142770.3 and 4 more transcripts); c.2723T>C, p.Phe908Ser (NM_001142765.2); c.2825T>C, p.Phe942Ser (NM_001142767.2); c.2870T>C, p.Phe957Ser (NM_001142768.2, NM_001142773.2, NM_001354404.2); c.2972T>C, p.Phe991Ser (NM_001142769.4); c.2957T>C, p.Phe986Ser (NM_001354411.2); short protein forms F979S, F991S, F942S, F957S, F984S, F986S, F908S.
Identifiers: ClinVar variation 504667 (VCV000504667.9), dbSNP rs150891423, ClinGen allele CA5505869.

ClinVar aggregate classification (germline): Uncertain significance. Review status: criteria provided, multiple submitters, no conflicts (2 of 4 stars). 4 submissions from 4 submitters: Uncertain significance (3). 1 of the submissions does not count toward it. Last evaluated 2022-09-06.

Conditions:
Inborn genetic diseases. Identifiers: MedGen C0950123, MeSH D030342.
Usher syndrome type 1F (USH1F). Also called: USHER SYNDROME, TYPE IF. Identifiers: Orphanet 231169, Orphanet 886, MedGen C1865885, MONDO:0011186, OMIM 602083.

Allele frequency attached by ClinVar (database versions not stated): gnomAD exomes 0.00001; ExAC 0.00002; gnomAD 0.00003 and 0.00004; TOPMed 0.00010; ESP Exome Variant Server 0.00015.
gnomAD v4.1: 8 of 1,611,630 alleles (0.0005%); highest among the groups gnomAD compares: Admixed American, 0.0083%; no homozygotes.

Submissions (4):

Ambry Genetics
Classification: Uncertain significance for Inborn genetic diseases. Last evaluated: 2022-09-06. Review status: criteria provided, single submitter. Criteria: Ambry Variant Classification Scheme 2023. Collection method: clinical testing. Allele origin: germline.

Labcorp Genetics (formerly Invitae), Labcorp
Classification: Uncertain significance. Last evaluated: 2022-05-30. Review status: criteria provided, single submitter. Criteria: Invitae Variant Classification Sherloc (09022015). Collection method: clinical testing. Allele origin: germline.
Comment: This sequence change replaces phenylalanine, which is neutral and non-polar, with serine, which is neutral and polar, at codon 979 of the PCDH15 protein (p.Phe979Ser). This variant is present in population databases (rs150891423, gnomAD 0.003%). This variant has not been reported in the literature in individuals affected with PCDH15-related conditions. ClinVar contains an entry for this variant (Variation ID: 504667). Algorithms developed to predict the effect of missense changes on protein structure and function are either unavailable or do not agree on the potential impact of this missense change (SIFT: "Deleterious"; PolyPhen-2: "Probably Damaging"; Align-GVGD: "Class C0"). In summary, the available evidence is currently insufficient to determine the role of this variant in disease. Therefore, it has been classified as a Variant of Uncertain Significance.

Laboratory for Molecular Medicine, Mass General Brigham Personalized Medicine
Classification: Uncertain significance. Last evaluated: 2017-08-03. Review status: criteria provided, single submitter. Criteria: LMM Criteria. Collection method: clinical testing. Allele origin: germline. Observed: 1 variant allele.
Comment: The p.Phe979Ser variant in PCDH15 has not been previously reported in individual s with hearing loss, but has been identified in 1/33562 Latino chromosomes by th e Genome Aggregation Database (gnomAD; dbSNP r s150891423). Although this variant has been seen in the general population, its frequency is not high enough to rule out a pathogenic role. Computational predic tion tools and conservation analysis suggest that the variant may impact the pro tein, though this information is not predictive enough to determine pathogenicit y. In summary, the clinical significance of the p.Phe979Ser variant is uncertain .

Natera, Inc.
Classification: Uncertain significance for Usher syndrome type 1F. Last evaluated: 2019-11-11. Review status: no assertion criteria provided. Collection method: clinical testing. Allele origin: germline. Not counted in ClinVar's aggregate classification.